The following is an entry in ClinVar:

NM_001365308.1(BMPER):c.*384T>G

Gene: BMPER (BMP binding endothelial regulator; plus strand). Cytogenetic location: 7p14.3.
Variant type: single nucleotide variant.
Coding change: c.*384T>G on transcript NM_001365308.1 (MANE Select); 384 bases downstream of the stop codon, T replaced by G.
Molecular consequence: 3 prime UTR variant.
Genome position (GRCh38, 1-based): chr7:34,153,657, T>G. VCF-style: chr7-34153657-T-G. GRCh37 (hg19) VCF-style: chr7-34193269-T-G.
Other names: c.*384T>G (NM_133468.5).
Identifiers: ClinVar variation 360125 (VCV000360125.5), dbSNP rs536841746, ClinGen allele CA10626058.
Genomic context (GRCh38, chr7:34,153,657, plus strand): 5'-TCACATACATTTGTCATTTTTAAGGAAGTTTTCTAAGAGCCCTCAATTGCCTGCCTGTAT[T>G]AATTTTAGTTTTGAGTCAGGATTTGTAATGGAGTGGGAAATGTGTTTCTCTGGAGAAGGG-3'

ClinVar aggregate classification (germline): Benign (1 of 4 stars; one submission).

Conditions:
Diaphanospondylodysostosis. Also called: VERTEBRAL OSSIFICATION, DEFECT IN, WITH NEPHROGENIC RESTS. Identifiers: Orphanet 66637, MedGen C1842691, MONDO:0011946, OMIM 608022.

Allele frequency attached by ClinVar (database versions not stated): 1000 Genomes Project 0.00879; 1000 Genomes Project 30x 0.00906; gnomAD 0.00002 and 0.00124; TOPMed 0.00020; gnomAD exomes 0.00418.
gnomAD v4.1: 375 of 197,882 alleles (0.19%); highest among the groups gnomAD compares: South Asian, 2.9%; 12 homozygotes.

Submission:

Illumina Laboratory Services, Illumina
Classification: Benign for Diaphanospondylodysostosis. Last evaluated: 2018-01-12. Review status: criteria provided, single submitter. Criteria: ICSL Variant Classification Criteria 13 December 2019. Collection method: clinical testing. Allele origin: germline.
Comment: This variant was observed in the ICSL laboratory as part of a predisposition screen in an ostensibly healthy population. It had not been previously curated by ICSL or reported in the Human Gene Mutation Database (HGMD: prior to June 1st, 2018), and was therefore a candidate for classification through an automated scoring system. Utilizing variant allele frequency, disease prevalence and penetrance estimates, and inheritance mode, an automated score was calculated to assess if this variant is too frequent to cause the disease. Based on the score and internal cut-off values, a variant classified as benign is not then subjected to further curation. The score for this variant resulted in a classification of benign for this disease.